The following is an entry in ClinVar:

NM_005534.4(IFNGR2):c.91C>T (p.Pro31Ser)

Gene: IFNGR2 (interferon gamma receptor 2; plus strand). Cytogenetic location: 21q22.11.
Variant type: single nucleotide variant.
Coding change: c.91C>T on transcript NM_005534.4 (MANE Select); coding-DNA position 91, C replaced by T.
Protein change: p.Pro31Ser; replaces proline 31 with serine.
Molecular consequence: missense variant.
Genome position (GRCh38, 1-based): chr21:33,414,905, C>T. VCF-style: chr21-33414905-C-T. GRCh37 (hg19) VCF-style: chr21-34787212-C-T.
Other names: c.148C>T, p.Pro50Ser (NM_001329128.2); short protein forms P31S, P50S.
Identifiers: ClinVar variation 1483907 (VCV001483907.4), dbSNP rs750951592, ClinGen allele CA10006859.
Genomic context (GRCh38, chr21:33,414,905, plus strand): 5'-TCTCCTCCCTTCCTCCCTCTTCTTTTTCTCTGTCCCCCTCAAGACCCTCTTTCCCAGCTG[C>T]CCGCTCCTCAGCACCCGAAGATTCGCCTGTACAACGCAGAGCAGGTCCTGAGTTGGGAGC-3'
Protein context (NP_005525.2, residues 21-41): AAPPDPLSQL[Pro31Ser]APQHPKIRLY

ClinVar aggregate classification (germline): Uncertain significance (1 of 4 stars; one submission).

Conditions:
Immunodeficiency 28 (IMD28). Also called: IFNGR2 DEFICIENCY. Identifiers: Orphanet 319547, Orphanet 319574, MedGen C4013947, MONDO:0013953, OMIM 614889.

Allele frequency attached by ClinVar (database versions not stated): gnomAD exomes below 0.00001 and 0.00001; ExAC 0.00001.
gnomAD v4.1: 3 of 1,614,044 alleles (0.00019%); highest among the groups gnomAD compares: Admixed American, 0.0017%; no homozygotes.

Submission:

Labcorp Genetics (formerly Invitae), Labcorp
Classification: Uncertain significance for Immunodeficiency 28. Last evaluated: 2021-12-03. Review status: criteria provided, single submitter. Criteria: Invitae Variant Classification Sherloc (09022015). Collection method: clinical testing. Allele origin: germline.
Comment: This variant has not been reported in the literature in individuals affected with IFNGR2-related conditions. In summary, the available evidence is currently insufficient to determine the role of this variant in disease. Therefore, it has been classified as a Variant of Uncertain Significance. Algorithms developed to predict the effect of missense changes on protein structure and function output the following: SIFT: "Deleterious"; PolyPhen-2: "Not Available"; Align-GVGD: "Class C25". The serine amino acid residue is found in multiple mammalian species, which suggests that this missense change does not adversely affect protein function. This variant is present in population databases (rs750951592, gnomAD 0.006%). This sequence change replaces proline, which is neutral and non-polar, with serine, which is neutral and polar, at codon 31 of the IFNGR2 protein (p.Pro31Ser).